The following is an entry in ClinVar:

NM_080473.5(GATA5):c.115G>T (p.Val39Phe)

Gene: GATA5 (GATA binding protein 5; minus strand). Cytogenetic location: 20q13.33.
Variant type: single nucleotide variant.
Coding change: c.115G>T on transcript NM_080473.5 (MANE Select); coding-DNA position 115, G replaced by T.
Protein change: p.Val39Phe; replaces valine 39 with phenylalanine.
Molecular consequence: missense variant.
Genome position (GRCh38, 1-based): chr20:62,475,407, C>A on the plus strand (G>T on the coding strand, the complement: GATA5 is on the minus strand). VCF-style: chr20-62475407-C-A. GRCh37 (hg19) VCF-style: chr20-61050463-C-A.
Other names: short protein forms V39F.
Identifiers: ClinVar variation 3603107 (VCV003603107.1).

ClinVar aggregate classification (germline): Uncertain significance (1 of 4 stars; one submission).

gnomAD v4.1: 1 of 1,355,772 alleles (0.000074%); highest among the groups gnomAD compares: South Asian, 0.0019%; no homozygotes.

Submission:

GeneDx
Classification: Uncertain significance. Last evaluated: 2024-08-09. Review status: criteria provided, single submitter. Criteria: GeneDx Variant Classification Process June 2021. Collection method: clinical testing. Allele origin: germline. Affected: yes.
Comment: Not observed at significant frequency in large population cohorts (gnomAD); In silico analysis indicates that this missense variant does not alter protein structure/function; Has not been previously published as pathogenic or benign to our knowledge